The following is an entry in ClinVar:

NM_000539.3(RHO):c.1A>G (p.Met1Val)

Gene: RHO (rhodopsin; plus strand). Cytogenetic location: 3q22.1.
Variant type: single nucleotide variant.
Coding change: c.1A>G on transcript NM_000539.3 (MANE Select); coding-DNA position 1, A replaced by G.
Protein change: p.Met1Val; changes the start codon (methionine 1).
Molecular consequence: missense variant, initiator codon variant.
Genome position (GRCh38, 1-based): chr3:129,528,734, A>G. VCF-style: chr3-129528734-A-G. GRCh37 (hg19) VCF-style: chr3-129247577-A-G.
Other names: short protein forms M1V.
Identifiers: ClinVar variation 2796858 (VCV002796858.3), dbSNP rs1426348071, ClinGen allele CA354494988.

ClinVar aggregate classification (germline): Uncertain significance (1 of 4 stars; one submission).

Allele frequency attached by ClinVar (database versions not stated): TOPMed below 0.00001; gnomAD exomes below 0.00001.

Submission:

Labcorp Genetics (formerly Invitae), Labcorp
Classification: Uncertain significance. Last evaluated: 2025-06-03. Review status: criteria provided, single submitter. Criteria: Invitae Variant Classification Sherloc (09022015). Collection method: clinical testing. Allele origin: germline.
Comment: This sequence change affects the initiator codon of the RHO mRNA. This change may impact translation initiation or efficiency. The next in-frame methionine is located at codon 39. This variant is present in population databases (no rsID available, gnomAD 0.003%). This variant has not been observed in the literature in individuals with autosomal recessive RHO-related conditions. This variant has been reported in individual(s) with autosomal dominant retinitis pigmentosa (internal data); however, the role of the variant in this condition is currently unclear. ClinVar contains an entry for this variant (Variation ID: 2796858). Experimental studies and prediction algorithms are not available or were not evaluated, and the functional significance of this variant is currently unknown. In summary, the available evidence is currently insufficient to determine the role of this variant in disease. Therefore, it has been classified as a Variant of Uncertain Significance.